The following is an entry in ClinVar:

ClinVar aggregate classification (germline): Uncertain significance (1 of 4 stars; one submission).

Conditions:
Catecholaminergic polymorphic ventricular tachycardia 1. Also called: VENTRICULAR TACHYCARDIA, STRESS-INDUCED POLYMORPHIC 1; RYR2-Related Catecholaminergic Polymorphic Ventricular Tachycardia; VENTRICULAR TACHYCARDIA, CATECHOLAMINERGIC POLYMORPHIC, 1, WITH OR WITHOUT ATRIAL DYSFUNCTION AND/OR DILATED CARDIOMYOPATHY. Identifiers: Orphanet 3286, MedGen C1631597, MONDO:0011484, OMIM 604772.

gnomAD v4.1: 1 of 1,612,922 alleles (0.000062%); highest among the groups gnomAD compares: Non-Finnish European, 0.000085%; no homozygotes.

Submission:

Labcorp Genetics (formerly Invitae), Labcorp
Classification: Uncertain significance for Catecholaminergic polymorphic ventricular tachycardia 1. Last evaluated: 2025-03-05. Review status: criteria provided, single submitter. Criteria: Invitae Variant Classification Sherloc (09022015). Collection method: clinical testing. Allele origin: germline.
Comment: This sequence change replaces glutamic acid, which is acidic and polar, with lysine, which is basic and polar, at codon 2376 of the RYR2 protein (p.Glu2376Lys). This variant is not present in population databases (gnomAD no frequency). This variant has not been reported in the literature in individuals affected with RYR2-related conditions. Invitae Evidence Modeling of protein sequence and biophysical properties (such as structural, functional, and spatial information, amino acid conservation, physicochemical variation, residue mobility, and thermodynamic stability) indicates that this missense variant is not expected to disrupt RYR2 protein function with a negative predictive value of 95%. In summary, the available evidence is currently insufficient to determine the role of this variant in disease. Therefore, it has been classified as a Variant of Uncertain Significance.

NM_001035.3(RYR2):c.7126G>A (p.Glu2376Lys)

Gene: RYR2 (ryanodine receptor 2; plus strand). Cytogenetic location: 1q43.
Variant type: single nucleotide variant.
Coding change: c.7126G>A on transcript NM_001035.3 (MANE Select); coding-DNA position 7126, G replaced by A.
Protein change: p.Glu2376Lys; replaces glutamic acid 2376 with lysine.
Molecular consequence: missense variant.
Genome position (GRCh38, 1-based): chr1:237,640,907, G>A. VCF-style: chr1-237640907-G-A. GRCh37 (hg19) VCF-style: chr1-237804207-G-A.
Other names: short protein forms E2376K.
Identifiers: ClinVar variation 4800086 (VCV004800086.1).